The following is an entry in ClinVar:

ClinVar aggregate classification (germline): Likely benign. Review status: criteria provided, multiple submitters, no conflicts (2 of 4 stars). 4 submissions from 4 submitters: Likely benign (3). 1 of the submissions does not count toward it. Last evaluated 2025-03-04.

Conditions:
Hereditary breast ovarian cancer syndrome. Also called: BRCA1- and BRCA2-Associated Hereditary Breast and Ovarian Cancer; Hereditary breast and ovarian cancer; Hereditary breast and/or ovarian cancer syndrome; Hereditary breast and ovarian cancer syndrome; Hereditary breast and ovarian cancer syndrome (HBOC); Breast and ovarian cancer. Identifiers: Orphanet 145, MedGen C0677776, MeSH D061325, MONDO:0003582. Disease mechanism: loss of function.
Familial cancer of breast. Also called: BREAST CANCER, FAMILIAL; hereditary breast carcinoma; Hereditary breast cancer. Identifiers: Orphanet 227535, MedGen C0346153, MONDO:0016419, OMIM 114480. Disease mechanism: loss of function.

Allele frequency attached by ClinVar (database versions not stated): gnomAD exomes 0.00029 and 0.00066; ExAC 0.00067; gnomAD 0.00077 and 0.00079; 1000 Genomes Project 0.00080; ESP Exome Variant Server 0.00092; TOPMed 0.00094; 1000 Genomes Project 30x 0.00125.
gnomAD v4.1: 561 of 1,599,576 alleles (0.035%); highest among the groups gnomAD compares: East Asian, 0.45%; 3 homozygotes.

Submissions (4):

Center for Genomic Medicine, Rigshospitalet, Copenhagen University Hospital
Classification: Likely benign. Last evaluated: 2025-03-04. Review status: criteria provided, single submitter. Criteria: ACMG Guidelines, 2015. Collection method: clinical testing. Allele origin: germline.

National Health Laboratory Service, Universitas Academic Hospital and University of the Free State
Classification: Likely benign for Hereditary breast ovarian cancer syndrome. Last evaluated: 2022-04-19. Review status: criteria provided, single submitter. Criteria: ACMG Guidelines, 2015. Collection method: clinical testing. Allele origin: germline. Affected: yes. Observed: 2 variant alleles.

Breakthrough Genomics
Classification: Likely benign. Review status: criteria provided, single submitter. Criteria: ACMG Guidelines, 2015. Collection method: not provided. Allele origin: germline. Inheritance: Autosomal dominant inheritance. Affected: yes.

Leiden Open Variation Database
Classification: Likely benign for Familial cancer of breast. Last evaluated: 2019-05-13. Review status: no assertion criteria provided. Collection method: curation. Allele origin: germline. Affected: yes. Not counted in ClinVar's aggregate classification.
Comment: Curators: Marc Tischkowitz, Arleen D. Auerbach. Submitter to LOVD: Marc Tischkowitz.

Literature cited by the submitters: PubMed 20722467 (cited by Leiden Open Variation Database); PubMed 21932393 (cited by Leiden Open Variation Database); PubMed 23824750 (cited by Leiden Open Variation Database).

NM_024675.4(PALB2):c.2835-27C>T

Gene: PALB2 (partner and localizer of BRCA2; minus strand). Cytogenetic location: 16p12.2.
Variant type: single nucleotide variant.
Coding change: c.2835-27C>T on transcript NM_024675.4 (MANE Select); 27 bases into the intron before coding-DNA position 2835, C replaced by T.
Molecular consequence: intron variant.
Genome position (GRCh38, 1-based): chr16:23,623,157, G>A on the plus strand (C>T on the coding strand, the complement: PALB2 is on the minus strand). VCF-style: chr16-23623157-G-A. GRCh37 (hg19) VCF-style: chr16-23634478-G-A.
Identifiers: ClinVar variation 126689 (VCV000126689.12), dbSNP rs199757736, ClinGen allele CA269578.